The following is an entry in ClinVar:

NM_000135.4(FANCA):c.1862A>T (p.Tyr621Phe)

Gene: FANCA (FA complementation group A; minus strand). Cytogenetic location: 16q24.3.
Variant type: single nucleotide variant.
Coding change: c.1862A>T on transcript NM_000135.4 (MANE Select); coding-DNA position 1862, A replaced by T.
Protein change: p.Tyr621Phe; replaces tyrosine 621 with phenylalanine.
Molecular consequence: missense variant.
Genome position (GRCh38, 1-based): chr16:89,775,780, T>A on the plus strand (A>T on the coding strand, the complement: FANCA is on the minus strand). VCF-style: chr16-89775780-T-A. GRCh37 (hg19) VCF-style: chr16-89842188-T-A.
Other names: c.1862A>T, p.Tyr621Phe (NM_001286167.3); short protein forms Y621F.
Identifiers: ClinVar variation 3572386 (VCV003572386.1).
Genomic context (GRCh38, chr16:89,775,780, plus strand): 5'-GACAAGCGGCCCAGGAACTTACCTTCTGGCTTCTCTTCAGCAGCAGAGCAGGCCTGGCAG[T>A]AGGTGGAGTACAGAGATGGGGGGATTTTATCTGCTCTGGATCACAGGAAAACAATACAAT-3'
Protein context (NP_000126.2, residues 611-631): DKIPPSLYST[Tyr621Phe]CQACSAAEEK

ClinVar aggregate classification (germline): Uncertain significance (1 of 4 stars; one submission).

Submission:

Quest Diagnostics Nichols Institute San Juan Capistrano
Classification: Uncertain significance. Last evaluated: 2024-09-18. Review status: criteria provided, single submitter. Criteria: Quest Diagnostics criteria. Collection method: clinical testing. Allele origin: unknown.
Comment: The FANCA c.1862A>T (p.Tyr621Phe) variant has not been reported in individuals with FANCA-related conditions in the published literature. It also has not been reported in large, multi-ethnic general populations (Genome Aggregation Database). Analysis of this variant using bioinformatics tools for the prediction of the effect of amino acid changes on protein structure and function yielded conflicting predictions that this variant is benign or damaging. Based on the available information, we are unable to determine the clinical significance of this variant.